The following is an entry in ClinVar:

NM_005732.4(RAD50):c.2263C>T (p.Gln755Ter)

Gene: RAD50 (RAD50 double strand break repair protein; plus strand). Cytogenetic location: 5q31.1.
Variant type: single nucleotide variant.
Coding change: c.2263C>T on transcript NM_005732.4 (MANE Select); coding-DNA position 2263, C replaced by T.
Protein change: p.Gln755Ter; replaces glutamine 755 with a stop codon.
Molecular consequence: nonsense.
Genome position (GRCh38, 1-based): chr5:132,603,355, C>T. VCF-style: chr5-132603355-C-T. GRCh37 (hg19) VCF-style: chr5-131939047-C-T.
Other names: short protein forms Q755*.
Identifiers: ClinVar variation 480435 (VCV000480435.14), dbSNP rs765975825, ClinGen allele CA3405360.
Genomic context (GRCh38, chr5:132,603,355, plus strand): 5'-TTTAGGCAAAGCATAATTGATTTGAAGGAGAAGGAAATACCAGAATTAAGAAACAAACTG[C>T]AGAATGTCAATAGAGACATACAGCGCCTAAAGAACGACATAGAAGAACAAGAAACACTCT-3'

ClinVar aggregate classification (germline): Pathogenic/Likely pathogenic. Review status: criteria provided, multiple submitters, no conflicts (2 of 4 stars). 3 submissions from 3 submitters: Pathogenic (2); Likely pathogenic (1). Last evaluated 2024-09-19.

Conditions:
Hereditary cancer-predisposing syndrome. Also called: Hereditary Cancer Syndrome; Neoplastic Syndromes, Hereditary; Tumor predisposition; Hereditary neoplastic syndrome. Identifiers: Orphanet 140162, MedGen C0027672, MeSH D009386, MONDO:0015356.
Nijmegen breakage syndrome-like disorder (NBSLD). Also called: MICROCEPHALY AND SPONTANEOUS CHROMOSOME INSTABILITY WITHOUT IMMUNODEFICIENCY; NBS-LIKE DISORDER; RAD50 DEFICIENCY. Identifiers: Orphanet 240760, MedGen C2751318, MONDO:0013118, OMIM 613078.

Allele frequency attached by ClinVar (database versions not stated): gnomAD 0.00001; gnomAD exomes 0.00001 and 0.00004; ExAC 0.00003.
gnomAD v4.1: 15 of 1,613,612 alleles (0.00093%); highest among the groups gnomAD compares: East Asian, 0.0067%; no homozygotes.

Submissions (3):

Labcorp Genetics (formerly Invitae), Labcorp
Classification: Pathogenic for Hereditary cancer-predisposing syndrome. Last evaluated: 2024-09-19. Review status: criteria provided, single submitter. Criteria: Invitae Variant Classification Sherloc (09022015). Collection method: clinical testing. Allele origin: germline.
Comment: This sequence change creates a premature translational stop signal (p.Gln755*) in the RAD50 gene. It is expected to result in an absent or disrupted protein product. Loss-of-function variants in RAD50 are known to be pathogenic (PMID: 19409520). This variant is present in population databases (rs765975825, gnomAD 0.03%). This variant has not been reported in the literature in individuals affected with RAD50-related conditions. ClinVar contains an entry for this variant (Variation ID: 480435). For these reasons, this variant has been classified as Pathogenic.

Fulgent Genetics
Classification: Likely pathogenic for Nijmegen breakage syndrome-like disorder. Last evaluated: 2024-05-20. Review status: criteria provided, single submitter. Criteria: ACMG Guidelines, 2015. Collection method: clinical testing. Allele origin: germline.

Ambry Genetics
Classification: Pathogenic for Hereditary cancer-predisposing syndrome. Last evaluated: 2022-01-24. Review status: criteria provided, single submitter. Criteria: Ambry Variant Classification Scheme 2023. Collection method: clinical testing. Allele origin: germline.
Comment: The p.Q755* pathogenic mutation (also known as c.2263C>T), located in coding exon 14 of the RAD50 gene, results from a C to T substitution at nucleotide position 2263. This changes the amino acid from a glutamine to a stop codon within coding exon 14. This alteration is expected to result in loss of function by premature protein truncation or nonsense-mediated mRNA decay. As such, this alteration is interpreted as a disease-causing mutation.

Literature cited by the submitters: PubMed 19409520 (cited by Labcorp Genetics (formerly Invitae), Labcorp).